The following is an entry in ClinVar:

ClinVar aggregate classification (germline): Uncertain significance (1 of 4 stars; one submission).

Allele frequency attached by ClinVar (database versions not stated): gnomAD exomes 0.00001; TOPMed 0.00001; gnomAD 0.00001.

Submission:

Labcorp Genetics (formerly Invitae), Labcorp
Classification: Uncertain significance. Last evaluated: 2025-07-29. Review status: criteria provided, single submitter. Criteria: Invitae Variant Classification Sherloc (09022015). Collection method: clinical testing. Allele origin: germline.
Comment: This sequence change creates a premature translational stop signal (p.Glu87*) in the DDX58 gene. It is expected to result in an absent or disrupted protein product. However, the current clinical and genetic evidence is not sufficient to establish whether loss-of-function variants in DDX58 cause disease. This variant is present in population databases (no rsID available, gnomAD 0.0009%). This variant has not been reported in the literature in individuals affected with DDX58-related conditions. ClinVar contains an entry for this variant (Variation ID: 2880488). In summary, the available evidence is currently insufficient to determine the role of this variant in disease. Therefore, it has been classified as a Variant of Uncertain Significance.

NM_014314.4(RIGI):c.258dup (p.Glu87Ter)

Gene: RIGI (RNA sensor RIG-I; minus strand). Cytogenetic location: 9p21.1.
Variant type: Duplication.
Coding change: c.258dup on transcript NM_014314.4 (MANE Select); coding-DNA position 258, one base duplicated (T; older notation c.258dupT).
Protein change: p.Glu87Ter; replaces glutamic acid 87 with a stop codon.
Molecular consequence: nonsense. On other transcripts: 5 prime UTR variant (3).
Genome position (GRCh38, 1-based): chr9:32,493,926, A duplicated on the plus strand (T on the coding strand, the reverse complement: RIGI is on the minus strand). VCF-style (leftmost placement, unchanged base first): chr9-32493925-C-CA. GRCh37 (hg19) VCF-style: chr9-32493923-C-CA.
Other names: c.258dup, p.Glu87Ter (NM_001385907.1, NM_001385909.1, NM_001385913.1); c.-197dup (NM_001385910.1, NM_001385914.1); c.-204dup (NM_001385912.1); short protein forms E87*.
Identifiers: ClinVar variation 2880488 (VCV002880488.3), dbSNP rs1175656532, ClinGen allele CA587565204.